The following is an entry in ClinVar:

ClinVar aggregate classification (germline): Likely benign. Review status: criteria provided, multiple submitters, no conflicts (2 of 4 stars). 3 submissions from 3 submitters: Likely benign (2). 1 of the submissions does not count toward it. Last evaluated 2025-03-06.

Conditions:
SRP72-related disorder. Also called: SRP72-related condition.

Allele frequency attached by ClinVar (database versions not stated): ExAC 0.00001; gnomAD 0.00003; gnomAD exomes 0.00004; TOPMed 0.00003.
gnomAD v4.1: 65 of 1,613,926 alleles (0.004%); highest among the groups gnomAD compares: Non-Finnish European, 0.0053%; no homozygotes.

Submissions (3):

Labcorp Genetics (formerly Invitae), Labcorp
Classification: Likely benign. Last evaluated: 2025-03-06. Review status: criteria provided, single submitter. Criteria: Invitae Variant Classification Sherloc (09022015). Collection method: clinical testing. Allele origin: germline.

Ambry Genetics
Classification: Likely benign. Last evaluated: 2024-11-23. Review status: criteria provided, single submitter. Criteria: Ambry Variant Classification Scheme 2023. Collection method: clinical testing. Allele origin: germline.

PreventionGenetics, part of Exact Sciences
Classification: Likely benign for SRP72-related condition. Last evaluated: 2024-03-22. Review status: no assertion criteria provided. Collection method: clinical testing. Allele origin: germline. Not counted in ClinVar's aggregate classification.
Comment: This variant is classified as likely benign based on ACMG/AMP sequence variant interpretation guidelines (Richards et al. 2015 PMID: 25741868, with internal and published modifications).

NM_006947.4(SRP72):c.405C>T (p.Leu135=)

Gene: SRP72 (signal recognition particle 72; plus strand). Cytogenetic location: 4q12.
Variant type: single nucleotide variant.
Coding change: c.405C>T on transcript NM_006947.4 (MANE Select); coding-DNA position 405, C replaced by T.
Protein change: p.Leu135=; no amino-acid change (leucine 135 retained).
Molecular consequence: synonymous variant. On other transcripts: non-coding transcript variant (1).
Genome position (GRCh38, 1-based): chr4:56,474,104, C>T. VCF-style: chr4-56474104-C-T. GRCh37 (hg19) VCF-style: chr4-57340270-C-T.
Other names: c.405C>T, p.Leu135= (NM_001267722.2); c.405C>T (NM_006947.3).
Identifiers: ClinVar variation 2979747 (VCV002979747.5), dbSNP rs201653221, ClinGen allele CA2931057.